The following is an entry in ClinVar:

ClinVar aggregate classification (germline): Likely benign (0 of 4 stars; one submission).

Conditions:
FBN2-related disorder. Also called: FBN2-related condition.

Submission:

PreventionGenetics, part of Exact Sciences
Classification: Likely benign for FBN2-related condition. Last evaluated: 2023-07-31. Review status: no assertion criteria provided. Collection method: clinical testing. Allele origin: germline.
Comment: This variant is classified as likely benign based on ACMG/AMP sequence variant interpretation guidelines (Richards et al. 2015 PMID: 25741868, with internal and published modifications).

NM_001999.4(FBN2):c.816A>G (p.Gly272=)

Gene: FBN2 (fibrillin 2; minus strand). Cytogenetic location: 5q23.3.
Variant type: single nucleotide variant.
Coding change: c.816A>G on transcript NM_001999.4 (MANE Select); coding-DNA position 816, A replaced by G.
Protein change: p.Gly272=; no amino-acid change (glycine 272 retained).
Molecular consequence: synonymous variant.
Genome position (GRCh38, 1-based): chr5:128,464,734, T>C on the plus strand (A>G on the coding strand, the complement: FBN2 is on the minus strand). VCF-style: chr5-128464734-T-C. GRCh37 (hg19) VCF-style: chr5-127800427-T-C.
Identifiers: ClinVar variation 3046488 (VCV003046488.2), dbSNP rs1754659800, ClinGen allele CA360754647.